The following is an entry in ClinVar:

NM_025191.4(EDEM3):c.1661A>T (p.Asp554Val)

Gene: EDEM3 (ER degradation enhancing alpha-mannosidase like protein 3; minus strand). Cytogenetic location: 1q25.3.
Variant type: single nucleotide variant.
Coding change: c.1661A>T on transcript NM_025191.4 (MANE Select); coding-DNA position 1661, A replaced by T.
Protein change: p.Asp554Val; replaces aspartic acid 554 with valine.
Molecular consequence: missense variant. On other transcripts: non-coding transcript variant (1).
Genome position (GRCh38, 1-based): chr1:184,711,753, T>A on the plus strand (A>T on the coding strand, the complement: EDEM3 is on the minus strand). VCF-style: chr1-184711753-T-A. GRCh37 (hg19) VCF-style: chr1-184680887-T-A.
Other names: c.1661A>T, p.Asp554Val (NM_001319960.2); c.1661A>T (NM_025191.3); short protein forms D554V.
Identifiers: ClinVar variation 3382958 (VCV003382958.2).
Genomic context (GRCh38, chr1:184,711,753, plus strand): 5'-TATTAGAAAATATAAAATAATACATCTTACACTCTGATGATGCCTCTAGGACAGCTCTTA[T>A]CCACCACATTTTTCAAGGGCTCACGAATACTTTGAGCATACAATGGGTCATTAGGAAAGA-3'
Protein context (NP_079467.3, residues 544-564): SIREPLKNVV[Asp554Val]KSCPRGIIRV

ClinVar aggregate classification (germline): Uncertain significance. Review status: criteria provided, multiple submitters, no conflicts (2 of 4 stars). 2 submissions from 2 submitters: Uncertain significance (2). Last evaluated 2025-08-01.

Conditions:
Congenital disorder of glycosylation, type 2v. Identifiers: Orphanet 695783, MedGen C5561971, MONDO:0030423, OMIM 619493.
Inborn genetic diseases. Identifiers: MedGen C0950123, MeSH D030342.

gnomAD v4.1: 11 of 1,612,792 alleles (0.00068%); highest among the groups gnomAD compares: East Asian, 0.025%; no homozygotes.

Submissions (2):

Ambry Genetics
Classification: Uncertain significance for Inborn genetic diseases. Last evaluated: 2025-08-01. Review status: criteria provided, single submitter. Criteria: Ambry Variant Classification Scheme 2023. Collection method: clinical testing. Allele origin: germline.

Juno Genomics, Hangzhou Juno Genomics, Inc
Classification: Uncertain significance for Congenital disorder of glycosylation, type 2v. Review status: criteria provided, single submitter. Criteria: ACMG Guidelines, 2015. Collection method: clinical testing. Allele origin: germline. Affected: yes.
Comment: Absent from controls (or at extremely low frequency if recessive) in Genome Aggregation Database, Exome Sequencing Project, 1000 Genomes Project, or Exome Aggregation Consortium.